The following is an entry in ClinVar:

NM_001330288.2(SMARCC2):c.3575C>T (p.Pro1192Leu)

Gene: SMARCC2 (SWI/SNF related BAF chromatin remodeling complex subunit C2; minus strand). Cytogenetic location: 12q13.2.
Variant type: single nucleotide variant.
Coding change: c.3575C>T on transcript NM_001330288.2 (MANE Select); coding-DNA position 3575, C replaced by T.
Protein change: p.Pro1192Leu; replaces proline 1192 with leucine.
Molecular consequence: missense variant. On other transcripts: intron variant (2).
Genome position (GRCh38, 1-based): chr12:56,164,389, G>A on the plus strand (C>T on the coding strand, the complement: SMARCC2 is on the minus strand). VCF-style: chr12-56164389-G-A. GRCh37 (hg19) VCF-style: chr12-56558173-G-A.
Other names: c.3482C>T, p.Pro1161Leu (NM_003075.5); c.3316+259C>T (NM_139067.4); c.3317-21C>T (NM_001130420.3); c.3482C>T (NM_003075.4); short protein forms P1161L, P1192L.
Identifiers: ClinVar variation 2575626 (VCV002575626.4), dbSNP rs201954161, ClinGen allele CA6625512.
Genomic context (GRCh38, chr12:56,164,389, plus strand): 5'-AGGTTGCCCTGAACAGCTGCCACAATGGCAGGGCTTTGGGCTGCGGCGGATCCGAGCCCC[G>A]GCCCGAGAGGCAAGGAAGATGGCATGGTGGTGGTCGCCGGCAGGTTAGGATGTAGAGGGT-3'
Protein context (NP_001317217.1, residues 1182-1202): TTMPSSLPLG[Pro1192Leu]GLGSAAAQSP

ClinVar aggregate classification (germline): Conflicting classifications of pathogenicity. Review status: criteria provided, conflicting classifications (1 of 4 stars). 3 submissions from 3 submitters: Uncertain significance (1); Likely benign (1). 1 of the submissions does not count toward it. Last evaluated 2023-02-10.

Conditions:
SMARCC2-related disorder. Also called: SMARCC2-related condition.
Coffin-Siris syndrome 8. Identifiers: MedGen C5193054, MONDO:0032702, OMIM 618362.

Allele frequency attached by ClinVar (database versions not stated): ExAC 0.00010; gnomAD exomes 0.00014; ESP Exome Variant Server 0.00023; gnomAD 0.00023; TOPMed 0.00023; 1000 Genomes Project 30x 0.00031; 1000 Genomes Project 0.00040.
gnomAD v4.1: 242 of 1,613,854 alleles (0.015%); highest among the groups gnomAD compares: African/African-American, 0.061%; no homozygotes.

Submissions (3):

GeneDx
Classification: Uncertain significance. Last evaluated: 2023-02-10. Review status: criteria provided, single submitter. Criteria: GeneDx Variant Classification Process June 2021. Collection method: clinical testing. Allele origin: germline. Affected: yes.
Comment: In silico analysis supports that this missense variant does not alter protein structure/function; Has not been previously published as pathogenic or benign to our knowledge

Department of Pathology and Laboratory Medicine, Sinai Health System
Classification: Likely benign for Coffin-Siris syndrome 8. Last evaluated: 2022-06-03. Review status: criteria provided, single submitter. Criteria: ACMG Guidelines, 2015. Collection method: research. Allele origin: germline.

PreventionGenetics, part of Exact Sciences
Classification: Likely benign for SMARCC2-related condition. Last evaluated: 2023-02-27. Review status: no assertion criteria provided. Collection method: clinical testing. Allele origin: germline. Not counted in ClinVar's aggregate classification.
Comment: This variant is classified as likely benign based on ACMG/AMP sequence variant interpretation guidelines (Richards et al. 2015 PMID: 25741868, with internal and published modifications).